The following is an entry in ClinVar:

ClinVar aggregate classification (germline): Uncertain significance (1 of 4 stars; one submission).

Submission:

CeGaT Center for Human Genetics Tuebingen
Classification: Uncertain significance. Last evaluated: 2026-03-01. Review status: criteria provided, single submitter. Criteria: CeGaT Center For Human Genetics Tuebingen Variant Classification Criteria Version 2. Collection method: clinical testing. Allele origin: germline. Affected: yes. Observed: 1 variant allele.
Comment: CITED2: PM2

NM_006079.5(CITED2):c.437T>A (p.Met146Lys)

Gene: CITED2 (Cbp/p300 interacting transactivator with ED-rich tail 2; minus strand). Cytogenetic location: 6q24.1.
Variant type: single nucleotide variant.
Coding change: c.437T>A on transcript NM_006079.5 (MANE Select); coding-DNA position 437, T replaced by A.
Protein change: p.Met146Lys; replaces methionine 146 with lysine.
Molecular consequence: missense variant.
Genome position (GRCh38, 1-based): chr6:139,373,508, A>T on the plus strand (T>A on the coding strand, the complement: CITED2 is on the minus strand). VCF-style: chr6-139373508-A-T. GRCh37 (hg19) VCF-style: chr6-139694645-A-T.
Other names: c.437T>A, p.Met146Lys (NM_001168388.3); c.452T>A, p.Met151Lys (NM_001168389.3); short protein forms M146K, M151K.
Identifiers: ClinVar variation 4822220 (VCV004822220.4).